The following is an entry in ClinVar:

NM_016648.4(LARP7):c.1213del (p.Thr405fs)

Genes: LARP7 (La ribonucleoprotein 7, transcriptional regulator; plus strand), MIR302CHG (miR-302/367 cluster host gene; minus strand). Cytogenetic location: 4q25.
Variant type: Deletion.
Coding change: c.1213del on transcript NM_016648.4 (MANE Select); coding-DNA position 1213, one base deleted (A; older notation c.1213delA).
Protein change: p.Thr405fs; shifts the reading frame from threonine 405.
Molecular consequence: frameshift variant.
Genome position (GRCh38, 1-based): chr4:112,649,605, A deleted; the last of 8 consecutive A bases (chr4:112,649,598-112,649,605); deleting any one gives the same sequence. VCF-style (leftmost placement, unchanged base first): chr4-112649597-TA-T. GRCh37 (hg19) VCF-style: chr4-113570753-TA-T.
Other names: c.1213del, p.Thr405fs (NM_001267039.4, NM_001370978.1, NM_015454.3); c.1252del, p.Thr418fs (NM_001370974.1, NM_001370975.1); c.1249del, p.Thr417fs (NM_001370976.1, NM_001370977.1); c.1210del, p.Thr404fs (NM_001370979.1, NM_001370980.1); c.976del, p.Thr326fs (NM_001370981.1, NM_001370982.1); short protein forms T326fs, T404fs, T405fs, T417fs, T418fs.
Identifiers: ClinVar variation 4975041 (VCV004975041.1).

ClinVar aggregate classification (germline): Pathogenic (1 of 4 stars; one submission).

Submission:

GeneDx
Classification: Pathogenic. Last evaluated: 2026-02-10. Review status: criteria provided, single submitter. Criteria: GeneDx Variant Classification Process June 2021. Collection method: clinical testing. Allele origin: germline.
Comment: Frameshift variant predicted to result in protein truncation or nonsense mediated decay in a gene for which loss of function is a known mechanism of disease; Not observed at significant frequency in large population cohorts (gnomAD); Has not been previously published as pathogenic or benign to our knowledge